The following is an entry in ClinVar:

NM_182961.4(SYNE1):c.7102C>T (p.Arg2368Cys)

Gene: SYNE1 (spectrin repeat containing nuclear envelope protein 1; minus strand). Cytogenetic location: 6q25.2.
Variant type: single nucleotide variant.
Coding change: c.7102C>T on transcript NM_182961.4 (MANE Select); coding-DNA position 7102, C replaced by T.
Protein change: p.Arg2368Cys; replaces arginine 2368 with cysteine.
Molecular consequence: missense variant.
Genome position (GRCh38, 1-based): chr6:152,399,751, G>A on the plus strand (C>T on the coding strand, the complement: SYNE1 is on the minus strand). VCF-style: chr6-152399751-G-A. GRCh37 (hg19) VCF-style: chr6-152720886-G-A.
Other names: c.7123C>T, p.Arg2375Cys (NM_033071.5); short protein forms R2368C, R2375C.
Identifiers: ClinVar variation 1039610 (VCV001039610.8), dbSNP rs780033455, ClinGen allele CA4057913.

ClinVar aggregate classification (germline): Uncertain significance. Review status: criteria provided, multiple submitters, no conflicts (2 of 4 stars). 4 submissions from 4 submitters: Uncertain significance (4). Last evaluated 2024-10-25.

Conditions:
Emery-Dreifuss muscular dystrophy 4, autosomal dominant (EDMD4). Also called: EMERY-DREIFUSS MUSCULAR DYSTROPHY 4 WITH VARIABLE FEATURES. Identifiers: Orphanet 261, MedGen C2751807, MONDO:0013071, OMIM 612998.
Autosomal recessive ataxia, Beauce type. Also called: Spinocerebellar ataxia, autosomal recessive 8; ATAXIA, RECESSIVE, OF BEAUCE; SYNE1 Deficiency; SYNE1-Related Autosomal Recessive Cerebellar Ataxia. Identifiers: Orphanet 88644, MedGen C1853116, MONDO:0012549, OMIM 610743.
Inborn genetic diseases. Identifiers: MedGen C0950123, MeSH D030342.

Allele frequency attached by ClinVar (database versions not stated): gnomAD 0.00001; TOPMed 0.00001; ExAC 0.00002; gnomAD exomes 0.00002.
gnomAD v4.1: 26 of 1,613,912 alleles (0.0016%); highest among the groups gnomAD compares: South Asian, 0.0044%; no homozygotes.

Submissions (4):

Revvity Omics, Revvity
Classification: Uncertain significance. Last evaluated: 2024-10-25. Review status: criteria provided, single submitter. Criteria: ACMG Guidelines, 2015. Collection method: clinical testing. Allele origin: germline.

Labcorp Genetics (formerly Invitae), Labcorp
Classification: Uncertain significance for Emery-Dreifuss muscular dystrophy 4, autosomal dominant; Autosomal recessive ataxia, Beauce type. Last evaluated: 2022-08-08. Review status: criteria provided, single submitter. Criteria: Invitae Variant Classification Sherloc (09022015). Collection method: clinical testing. Allele origin: germline.
Comment: This sequence change replaces arginine, which is basic and polar, with cysteine, which is neutral and slightly polar, at codon 2375 of the SYNE1 protein (p.Arg2375Cys). This variant is present in population databases (rs780033455, gnomAD 0.007%). This variant has not been reported in the literature in individuals affected with SYNE1-related conditions. ClinVar contains an entry for this variant (Variation ID: 1039610). Algorithms developed to predict the effect of missense changes on protein structure and function (SIFT, PolyPhen-2, Align-GVGD) all suggest that this variant is likely to be disruptive. In summary, the available evidence is currently insufficient to determine the role of this variant in disease. Therefore, it has been classified as a Variant of Uncertain Significance.

GeneDx
Classification: Uncertain significance. Last evaluated: 2022-07-11. Review status: criteria provided, single submitter. Criteria: GeneDx Variant Classification Process June 2021. Collection method: clinical testing. Allele origin: germline. Affected: yes.
Comment: Not observed at significant frequency in large population cohorts (gnomAD); In silico analysis supports that this missense variant has a deleterious effect on protein structure/function; Has not been previously published as pathogenic or benign to our knowledge

Ambry Genetics
Classification: Uncertain significance for Inborn genetic diseases. Last evaluated: 2021-07-26. Review status: criteria provided, single submitter. Criteria: Ambry Variant Classification Scheme 2023. Collection method: clinical testing. Allele origin: germline.